The following is an entry in ClinVar:

ClinVar aggregate classification (germline): Pathogenic. Review status: criteria provided, multiple submitters, no conflicts (2 of 4 stars). 3 submissions from 3 submitters: Pathogenic (2). 1 of the submissions does not count toward it. Last evaluated 2025-10-11.

Conditions:
Arrhythmogenic right ventricular cardiomyopathy (ARVD). Also called: Cardiomyopathy, ARVC; Arrhythmogenic right ventricular dysplasia; Arrhythmogenic cardiomyopathy; Arrhythmogenic Right Ventricular Cardiomyopathy (ARVC). Identifiers: Orphanet 247, MedGen C0349788, MeSH D019571, MONDO:0016587. Disease mechanism: loss of function. Inheritance: Various modes of inheritance.
Arrhythmogenic right ventricular dysplasia 9 (ARVD9). Also called: Arrhythmogenic Right Ventricular Dysplasia/Cardiomyopathy 9; ARRHYTHMOGENIC RIGHT VENTRICULAR DYSPLASIA, FAMILIAL, 9. Identifiers: MedGen C1836906, MONDO:0012180, OMIM 609040.

Submissions (3):

Labcorp Genetics (formerly Invitae), Labcorp
Classification: Pathogenic for Arrhythmogenic right ventricular dysplasia 9. Last evaluated: 2025-10-11. Review status: criteria provided, single submitter. Criteria: Invitae Variant Classification Sherloc (09022015). Collection method: clinical testing. Allele origin: germline.
Comment: This sequence change creates a premature translational stop signal (p.Glu259Glyfs*77) in the PKP2 gene. It is expected to result in an absent or disrupted protein product. Loss-of-function variants in PKP2 are known to be pathogenic (PMID: 15489853, 17041889, 23911551). This variant is not present in population databases (gnomAD no frequency). This premature translational stop signal has been observed in individual(s) with arrhythmogenic right ventricular cardiomyopathy (PMID: 29606362). This variant is also known as c.775_776insG. ClinVar contains an entry for this variant (Variation ID: 1810379). For these reasons, this variant has been classified as Pathogenic.

GeneDx
Classification: Pathogenic. Last evaluated: 2024-03-04. Review status: criteria provided, single submitter. Criteria: GeneDx Variant Classification Process June 2021. Collection method: clinical testing. Allele origin: germline. Affected: yes.
Comment: Not observed at significant frequency in large population cohorts (gnomAD); Frameshift variant predicted to result in protein truncation or nonsense mediated decay in a gene for which loss of function is a known mechanism of disease; This variant is associated with the following publications: (PMID: 29606362)

Heart Failure and Familial Heart Diseases Unit, Hospital Universitario Virgen de la Victoria
Classification: Pathogenic for Arrhythmogenic cardiomyopathy. Last evaluated: 2018-06-29. Review status: no assertion criteria provided. Collection method: clinical testing. Allele origin: germline. Affected: yes. Not counted in ClinVar's aggregate classification.

Literature cited by the submitters: PubMed 15489853 (cited by Labcorp Genetics (formerly Invitae), Labcorp); PubMed 17041889 (cited by Labcorp Genetics (formerly Invitae), Labcorp); PubMed 23911551 (cited by Labcorp Genetics (formerly Invitae), Labcorp); PubMed 29606362 (cited by Labcorp Genetics (formerly Invitae), Labcorp).

NM_001005242.3(PKP2):c.775dup (p.Glu259fs)

Gene: PKP2 (plakophilin 2; minus strand). Cytogenetic location: 12p11.21.
Variant type: Duplication.
Coding change: c.775dup on transcript NM_001005242.3 (MANE Select); coding-DNA position 775, one base duplicated (G; older notation c.775dupG).
Protein change: p.Glu259fs; shifts the reading frame from glutamic acid 259.
Molecular consequence: frameshift variant.
Genome position (GRCh38, 1-based): chr12:32,878,105, C duplicated on the plus strand (G on the coding strand, the reverse complement: PKP2 is on the minus strand); the first of 2 consecutive C bases (chr12:32,878,105-32,878,106); duplicating either gives the same sequence. VCF-style (leftmost placement, unchanged base first): chr12-32878104-T-TC. GRCh37 (hg19) VCF-style: chr12-33031038-T-TC.
Other names: c.774dup, p.Glu259Glyfs (NM_001407155.1, NM_001407156.1, NM_001407157.1 and 1 more transcripts); c.447dup, p.Glu150Glyfs (NM_001407158.1, NM_001407159.1, NM_001407160.1 and 1 more transcripts); c.775dup, p.Glu259fs (NM_004572.4); c.775_776insG (NM_004572.3); c.775dup (NM_004572.3); short protein forms E259fs.
Identifiers: ClinVar variation 1810379 (VCV001810379.3), dbSNP rs2541339781, ClinGen allele CA2580085416.